The following is an entry in ClinVar:

NM_030769.3(NPL):c.253G>A (p.Val85Ile)

Gene: NPL (N-acetylneuraminate pyruvate lyase; plus strand). Cytogenetic location: 1q25.3.
Variant type: single nucleotide variant.
Coding change: c.253G>A on transcript NM_030769.3 (MANE Select); coding-DNA position 253, G replaced by A.
Protein change: p.Val85Ile; replaces valine 85 with isoleucine.
Molecular consequence: missense variant.
Genome position (GRCh38, 1-based): chr1:182,812,178, G>A. VCF-style: chr1-182812178-G-A. GRCh37 (hg19) VCF-style: chr1-182781313-G-A.
Other names: c.196G>A, p.Val66Ile (NM_001200050.2); c.253G>A, p.Val85Ile (NM_001200051.2, NM_001200052.2, NM_001200056.2); c.253G>A (NM_030769.2); short protein forms V66I, V85I.
Identifiers: ClinVar variation 2639619 (VCV002639619.25), dbSNP rs141892236, ClinGen allele CA1279013.

ClinVar aggregate classification (germline): Likely benign. Review status: criteria provided, multiple submitters, no conflicts (2 of 4 stars). 2 submissions from 2 submitters: Likely benign (2). Last evaluated 2026-02-04.

Conditions:
NPL-related disorder. Also called: NPL-related condition.

Allele frequency attached by ClinVar (database versions not stated): ExAC 0.00068; gnomAD 0.00098; TOPMed 0.00103; 1000 Genomes Project 0.00120; ESP Exome Variant Server 0.00123; 1000 Genomes Project 30x 0.00156.
gnomAD v4.1: 1,052 of 1,613,956 alleles (0.065%); highest among the groups gnomAD compares: African/African-American, 0.21%; 5 homozygotes.

Submissions (2):

PreventionGenetics, part of Exact Sciences
Classification: Likely benign for NPL-related condition. Last evaluated: 2026-02-04. Review status: criteria provided, single submitter. Criteria: ACMG Guidelines, 2015. Collection method: clinical testing. Allele origin: germline.
Comment: This variant is classified as likely benign based on ACMG/AMP sequence variant interpretation guidelines (Richards et al. 2015 PMID: 25741868, with internal and published modifications).

CeGaT Center for Human Genetics Tuebingen
Classification: Likely benign. Last evaluated: 2023-06-01. Review status: criteria provided, single submitter. Criteria: CeGaT Center For Human Genetics Tuebingen Variant Classification Criteria Version 2. Collection method: clinical testing. Allele origin: germline. Affected: yes. Observed: 1 variant allele.
Comment: NPL: BS2